The following is an entry in ClinVar:

NM_004656.4(BAP1):c.1985T>C (p.Ile662Thr)

Gene: BAP1 (BRCA1 associated deubiquitinase 1; minus strand). Cytogenetic location: 3p21.1.
Variant type: single nucleotide variant.
Coding change: c.1985T>C on transcript NM_004656.4 (MANE Select); coding-DNA position 1985, T replaced by C.
Protein change: p.Ile662Thr; replaces isoleucine 662 with threonine.
Molecular consequence: missense variant.
Genome position (GRCh38, 1-based): chr3:52,402,673, A>G on the plus strand (T>C on the coding strand, the complement: BAP1 is on the minus strand). VCF-style: chr3-52402673-A-G. GRCh37 (hg19) VCF-style: chr3-52436689-A-G.
Other names: c.1985T>C (NM_004656.2); short protein forms I662T.
Identifiers: ClinVar variation 1388702 (VCV001388702.8), dbSNP rs773857745, ClinGen allele CA2436624.

ClinVar aggregate classification (germline): Uncertain significance. Review status: criteria provided, multiple submitters, no conflicts (2 of 4 stars). 3 submissions from 3 submitters: Uncertain significance (3). Last evaluated 2025-03-25.

Conditions:
Hereditary cancer-predisposing syndrome. Also called: Neoplastic Syndromes, Hereditary; Tumor predisposition; Hereditary neoplastic syndrome; Hereditary Cancer Syndrome. Identifiers: Orphanet 140162, MedGen C0027672, MeSH D009386, MONDO:0015356.
BAP1-related tumor predisposition syndrome (TPDS1). Also called: COMMON Syndrome; Tumor susceptibility linked to germline BAP1 mutations; TUMOR PREDISPOSITION SYNDROME 1; BAP1 tumor predisposition syndrome. Identifiers: Orphanet 289539, MedGen C3280492, MONDO:0013692, OMIM 614327.

Allele frequency attached by ClinVar (database versions not stated): gnomAD exomes below 0.00001; ExAC 0.00001.
gnomAD v4.1: 4 of 1,614,150 alleles (0.00025%); highest among the groups gnomAD compares: Admixed American, 0.0017%; no homozygotes.

Submissions (3):

Labcorp Genetics (formerly Invitae), Labcorp
Classification: Uncertain significance for BAP1-related tumor predisposition syndrome. Last evaluated: 2025-03-25. Review status: criteria provided, single submitter. Criteria: Invitae Variant Classification Sherloc (09022015). Collection method: clinical testing. Allele origin: germline.
Comment: This sequence change replaces isoleucine, which is neutral and non-polar, with threonine, which is neutral and polar, at codon 662 of the BAP1 protein (p.Ile662Thr). This variant is present in population databases (rs773857745, gnomAD 0.003%). This variant has not been reported in the literature in individuals affected with BAP1-related conditions. ClinVar contains an entry for this variant (Variation ID: 1388702). An algorithm developed to predict the effect of missense changes on protein structure and function (PolyPhen-2) suggests that this variant is likely to be tolerated. In summary, the available evidence is currently insufficient to determine the role of this variant in disease. Therefore, it has been classified as a Variant of Uncertain Significance.

Color Diagnostics, LLC DBA Color Health
Classification: Uncertain significance for Hereditary cancer-predisposing syndrome. Last evaluated: 2024-03-10. Review status: criteria provided, single submitter. Criteria: ACMG Guidelines, 2015. Collection method: clinical testing. Allele origin: germline.
Comment: This missense variant replaces isoleucine with threonine at codon 662 of the BAP1 protein. Computational prediction suggests that this variant may not impact protein structure and function (internally defined REVEL score threshold <= 0.5, PMID: 27666373). To our knowledge, functional studies have not been reported for this variant. This variant has not been reported in individuals affected with BAP1-related disorders in the literature. This variant has been identified in 1/251472 chromosomes in the general population by the Genome Aggregation Database (gnomAD). The available evidence is insufficient to determine the role of this variant in disease conclusively. Therefore, this variant is classified as a Variant of Uncertain Significance.

Ambry Genetics
Classification: Uncertain significance for Hereditary cancer-predisposing syndrome. Last evaluated: 2024-03-07. Review status: criteria provided, single submitter. Criteria: Ambry Variant Classification Scheme 2023. Collection method: clinical testing. Allele origin: germline.
Comment: The p.I662T variant (also known as c.1985T>C), located in coding exon 16 of the BAP1 gene, results from a T to C substitution at nucleotide position 1985. The isoleucine at codon 662 is replaced by threonine, an amino acid with similar properties. This amino acid position is conserved. In addition, the in silico prediction for this alteration is inconclusive. Based on the available evidence, the clinical significance of this alteration remains unclear.